The following is an entry in ClinVar:

NM_000492.3(CFTR):c.2909delG

Genes: CFTR (CF transmembrane conductance regulator; plus strand), CFTR-AS2 (CFTR antisense RNA 2; minus strand). Cytogenetic location: 7q31.2.
Variant type: Deletion.
Coding change: c.2909delG on transcript NM_000492.3; coding-DNA position 2909, one base deleted (G).
Genome position (GRCh38, 1-based): chr7:117,606,674, G deleted; the last of 2 consecutive G bases (chr7:117,606,673-117,606,674); deleting either gives the same sequence. VCF-style (leftmost placement, unchanged base first): chr7-117606672-AG-A. GRCh37 (hg19) VCF-style: chr7-117246726-AG-A.
Other names: c.2909del (NM_000492.3).
Identifiers: ClinVar variation 53595 (VCV000053595.7), dbSNP rs397508458, ClinGen allele CA326966.

ClinVar aggregate classification (germline): Pathogenic. Review status: criteria provided, multiple submitters, no conflicts (2 of 4 stars). 4 submissions from 4 submitters: Pathogenic (3). 1 of the submissions does not count toward it. Last evaluated 2025-02-27.

Conditions:
CFTR-related disorder (CFTR-RD). Also called: CFTR-related disorders; CFTR-related condition. Identifiers: MedGen C5924204, MONDO:7770004.
Cystic fibrosis (CF). Also called: MUCOVISCIDOSIS. Identifiers: Orphanet 586, MedGen C0010674, MONDO:0009061, OMIM 219700. Disease mechanism: loss of function.

Submissions (4):

Natera, Inc.
Classification: Pathogenic for CFTR-related disorders. Last evaluated: 2025-02-27. Review status: criteria provided, single submitter. Criteria: Natera Variant Classification Schema (03/2026). Collection method: clinical testing. Allele origin: germline.
Comment: The c.2909delG variant in CFTR is a frameshift variant predicted to shift the reading frame beginning at codon 970 and leads to a stop codon 11 codons downstream. This variant is expected to result in nonsense mediated decay, truncation, or a dysfunctional protein product. This variant is rare in the general population with a frequency below the threshold expected for the associated phenotype(s). This variant has been observed in one or more individuals affected with the associated recessive disease, as either homozygous or compound heterozygous with a second variant (PMID: 7515303). Given the available evidence, this variant is classified as Pathogenic.

Johns Hopkins Genomics, Johns Hopkins University
Classification: Pathogenic for Cystic fibrosis. Last evaluated: 2019-10-04. Review status: criteria provided, single submitter. Criteria: ACMG Guidelines, 2015. Collection method: clinical testing. Allele origin: germline.
Comment: It results in a premature stop codon in exon 18 (legacy exon 16) likely leading to nonsense-mediated decay and lack of protein production. In addition, this variant affects the first nucleotide of exon 18 and bioinformatic analysis predicts that it may affect normal exon 18 splicing, althougth this has not been confirmed experimentally to our knowledge. This CFTR variant is absent from large population datasets and a single submitter reports this variant in ClinVar, however, no classification is provided. We consider this variant to be pathogenic.

Quest Diagnostics Nichols Institute San Juan Capistrano
Classification: Pathogenic. Last evaluated: 2018-10-30. Review status: criteria provided, single submitter. Criteria: Quest Diagnostics criteria. Collection method: clinical testing. Allele origin: germline.
Comment: The variant results in a shift of the reading frame, and is therefore predicted to significantly disrupt the protein structure. Found in at least one symptomatic patient, and not found in general population data.

ClinVar Staff, National Center for Biotechnology Information (NCBI)
No classification provided. Condition: CFTR-related disorders. Review status: no classification provided. Collection method: literature only. Allele origin: germline. Affected: yes. Not counted in ClinVar's aggregate classification.

Literature cited by the submitters: PubMed 7515303 (cited by 3 submitters).